The following is an entry in ClinVar:

ClinVar aggregate classification (germline): Uncertain significance (1 of 4 stars; one submission).

Conditions:
Cornelia de Lange syndrome 3 (CDLS3). Also called: SMC3-Related Cornelia de Lange Syndrome; CORNELIA DE LANGE SYNDROME 3 WITH OR WITHOUT MIDLINE BRAIN DEFECTS. Identifiers: Orphanet 199, MedGen C1853099, MONDO:0012555, OMIM 610759.

Submission:

Labcorp Genetics (formerly Invitae), Labcorp
Classification: Uncertain significance for Cornelia de Lange syndrome 3. Last evaluated: 2022-08-23. Review status: criteria provided, single submitter. Criteria: Invitae Variant Classification Sherloc (09022015). Collection method: clinical testing. Allele origin: germline.
Comment: In summary, the available evidence is currently insufficient to determine the role of this variant in disease. Therefore, it has been classified as a Variant of Uncertain Significance. Algorithms developed to predict the effect of missense changes on protein structure and function are either unavailable or do not agree on the potential impact of this missense change (SIFT: "Tolerated"; PolyPhen-2: "Possibly Damaging"; Align-GVGD: "Class C0"). This variant has not been reported in the literature in individuals affected with SMC3-related conditions. This variant is not present in population databases (gnomAD no frequency). This sequence change replaces glutamic acid, which is acidic and polar, with glycine, which is neutral and non-polar, at codon 346 of the SMC3 protein (p.Glu346Gly).

NM_005445.4(SMC3):c.1037A>G (p.Glu346Gly)

Gene: SMC3 (structural maintenance of chromosomes 3; plus strand). Cytogenetic location: 10q25.2.
Variant type: single nucleotide variant.
Coding change: c.1037A>G on transcript NM_005445.4 (MANE Select); coding-DNA position 1037, A replaced by G.
Protein change: p.Glu346Gly; replaces glutamic acid 346 with glycine.
Molecular consequence: missense variant.
Genome position (GRCh38, 1-based): chr10:110,583,908, A>G. VCF-style: chr10-110583908-A-G. GRCh37 (hg19) VCF-style: chr10-112343666-A-G.
Other names: short protein forms E346G.
Identifiers: ClinVar variation 2049961 (VCV002049961.4), dbSNP rs2493116671, ClinGen allele CA378380697.